The following is an entry in ClinVar:

NM_000489.6(ATRX):c.4558-1G>A

Gene: ATRX (ATRX chromatin remodeler; minus strand). Cytogenetic location: Xq21.1.
Variant type: single nucleotide variant.
Coding change: c.4558-1G>A on transcript NM_000489.6 (MANE Select); the canonical splice acceptor site of the intron before coding-DNA position 4558, G replaced by A.
Molecular consequence: splice acceptor variant.
Genome position (GRCh38, 1-based): chrX:77,636,057, C>T on the plus strand (G>A on the coding strand, the complement: ATRX is on the minus strand). VCF-style: chrX-77636057-C-T. GRCh37 (hg19) VCF-style: chrX-76891548-C-T.
Other names: c.4444-1G>A (NM_138270.5).
Identifiers: ClinVar variation 4530214 (VCV004530214.1).

ClinVar aggregate classification (somatic clinical impact): Tier I - Strong (1 of 4 stars; one submission).

Conditions:
Malignant glioma. Identifiers: MedGen C0555198, MONDO:0100342, MONDO:0015917.

Submission:

Institute for Genomic Medicine (IGM) Clinical Laboratory, Nationwide Children's Hospital
Classification: Tier I - Strong for Malignant glioma. Assertion type: diagnostic. Clinical significance: supports diagnosis. Last evaluated: 2023-03-03. Review status: criteria provided, single submitter. Criteria: AMP/ASCO/CAP Guidelines, 2017. Collection method: clinical testing. Allele origin: somatic. Affected: yes.
Comment: Variant has Tier I (strong) clinical significance as a diagnostic inclusion criterion in malignant glioma, based on the following evidence: 1) Appears in one or more well-established professional guidelines (e.g., World Health Organization [WHO]; National Comprehensive Cancer Network [NCCN]) as providing diagnostic, prognostic, or therapeutic information. 2) Diagnostic for a specific tumor type/classification based on well-powered studies with expert-level consensus (Evidence Level B; PMID: 26482474).

Literature cited by the submitters: PubMed 26482474.